The following is an entry in ClinVar:

ClinVar aggregate classification (germline): Uncertain significance (1 of 4 stars; one submission).

Conditions:
Hereditary cancer-predisposing syndrome. Also called: Hereditary Cancer Syndrome; Hereditary neoplastic syndrome; Neoplastic Syndromes, Hereditary; Tumor predisposition. Identifiers: Orphanet 140162, MedGen C0027672, MeSH D009386, MONDO:0015356.

Allele frequency attached by ClinVar (database versions not stated): gnomAD 0.00001; TOPMed 0.00001.
gnomAD v4.1: 3 of 1,614,014 alleles (0.00019%); highest among the groups gnomAD compares: Non-Finnish European, 0.00025%; no homozygotes.

Submission:

Ambry Genetics
Classification: Uncertain significance for Hereditary cancer-predisposing syndrome. Last evaluated: 2022-02-06. Review status: criteria provided, single submitter. Criteria: Ambry Variant Classification Scheme 2023. Collection method: clinical testing. Allele origin: germline.
Comment: The p.A210P variant (also known as c.628G>C), located in coding exon 1 of the ALK gene, results from a G to C substitution at nucleotide position 628. The alanine at codon 210 is replaced by proline, an amino acid with highly similar properties. This amino acid position is conserved. In addition, this alteration is predicted to be deleterious by in silico analysis. Since supporting evidence is limited at this time, the clinical significance of this alteration remains unclear.

NM_004304.5(ALK):c.628G>C (p.Ala210Pro)

Gene: ALK (ALK receptor tyrosine kinase; minus strand). Cytogenetic location: 2p23.1.
Variant type: single nucleotide variant.
Coding change: c.628G>C on transcript NM_004304.5 (MANE Select); coding-DNA position 628, G replaced by C.
Protein change: p.Ala210Pro; replaces alanine 210 with proline.
Molecular consequence: missense variant.
Genome position (GRCh38, 1-based): chr2:29,920,032, C>G on the plus strand (G>C on the coding strand, the complement: ALK is on the minus strand). VCF-style: chr2-29920032-C-G. GRCh37 (hg19) VCF-style: chr2-30142898-C-G.
Other names: short protein forms A210P.
Identifiers: ClinVar variation 1752657 (VCV001752657.2), dbSNP rs755697363, ClinGen allele CA346589659.